The following is an entry in ClinVar:

ClinVar aggregate classification (germline): Uncertain significance (1 of 4 stars; one submission).

Allele frequency attached by ClinVar (database versions not stated): gnomAD exomes below 0.00001; ExAC 0.00001; gnomAD 0.00001; TOPMed 0.00002.

Submission:

Labcorp Genetics (formerly Invitae), Labcorp
Classification: Uncertain significance. Last evaluated: 2022-06-20. Review status: criteria provided, single submitter. Criteria: Invitae Variant Classification Sherloc (09022015). Collection method: clinical testing. Allele origin: germline.
Comment: This sequence change replaces alanine, which is neutral and non-polar, with valine, which is neutral and non-polar, at codon 360 of the CERKL protein (p.Ala360Val). The frequency data for this variant in the population databases is considered unreliable, as metrics indicate poor data quality at this position in the gnomAD database. This variant has not been reported in the literature in individuals affected with CERKL-related conditions. Algorithms developed to predict the effect of missense changes on protein structure and function are either unavailable or do not agree on the potential impact of this missense change (SIFT: "Deleterious"; PolyPhen-2: "Probably Damaging"; Align-GVGD: "Class C0"). Algorithms developed to predict the effect of sequence changes on RNA splicing suggest that this variant may create or strengthen a splice site. In summary, the available evidence is currently insufficient to determine the role of this variant in disease. Therefore, it has been classified as a Variant of Uncertain Significance.

NM_201548.5(CERKL):c.1001C>T (p.Ala334Val)

Gene: CERKL (ceramide kinase like; minus strand). Cytogenetic location: 2q31.3.
Variant type: single nucleotide variant.
Coding change: c.1001C>T on transcript NM_201548.5 (MANE Select); coding-DNA position 1001, C replaced by T.
Protein change: p.Ala334Val; replaces alanine 334 with valine.
Molecular consequence: missense variant. On other transcripts: non-coding transcript variant (2).
Genome position (GRCh38, 1-based): chr2:181,548,752, G>A on the plus strand (C>T on the coding strand, the complement: CERKL is on the minus strand). VCF-style: chr2-181548752-G-A. GRCh37 (hg19) VCF-style: chr2-182413479-G-A.
Other names: c.1079C>T, p.Ala360Val (NM_001030311.3); c.662C>T, p.Ala221Val (NM_001030312.3); c.794C>T, p.Ala265Val (NM_001030313.3); c.947C>T, p.Ala316Val (NM_001160277.2); short protein forms A265V, A360V, A221V, A316V, A334V.
Identifiers: ClinVar variation 1377100 (VCV001377100.5), dbSNP rs778028617, ClinGen allele CA2010594.